The following is an entry in ClinVar:

ClinVar aggregate classification (germline): Uncertain significance (1 of 4 stars; one submission).

Conditions:
Developmental and epileptic encephalopathy, 11 (DEE11). Also called: Early infantile epileptic encephalopathy 11. Identifiers: Orphanet 1934, MedGen C3150987, MONDO:0013388, OMIM 613721.
Seizures, benign familial infantile, 3 (BFIS3). Also called: Familial neonatal seizures; CONVULSIONS, BENIGN FAMILIAL INFANTILE, 3. Identifiers: Orphanet 140927, Orphanet 306, MedGen C1843140, MONDO:0011904, OMIM 607745.

Submission:

Labcorp Genetics (formerly Invitae), Labcorp
Classification: Uncertain significance for Seizures, benign familial infantile, 3; Developmental and epileptic encephalopathy, 11. Last evaluated: 2022-02-08. Review status: criteria provided, single submitter. Criteria: Invitae Variant Classification Sherloc (09022015). Collection method: clinical testing. Allele origin: germline.
Comment: This sequence change replaces lysine, which is basic and polar, with glutamine, which is neutral and polar, at codon 1190 of the SCN2A protein (p.Lys1190Gln). This variant is not present in population databases (gnomAD no frequency). This variant has not been reported in the literature in individuals affected with SCN2A-related conditions. ClinVar contains an entry for this variant (Variation ID: 1057206). Algorithms developed to predict the effect of missense changes on protein structure and function are either unavailable or do not agree on the potential impact of this missense change (SIFT: "Deleterious"; PolyPhen-2: "Benign"; Align-GVGD: "Class C0"). In summary, the available evidence is currently insufficient to determine the role of this variant in disease. Therefore, it has been classified as a Variant of Uncertain Significance.

NM_001040142.2(SCN2A):c.3568A>C (p.Lys1190Gln)

Gene: SCN2A (sodium voltage-gated channel alpha subunit 2; plus strand). Cytogenetic location: 2q24.3.
Variant type: single nucleotide variant.
Coding change: c.3568A>C on transcript NM_001040142.2 (MANE Select); coding-DNA position 3568, A replaced by C.
Protein change: p.Lys1190Gln; replaces lysine 1190 with glutamine.
Molecular consequence: missense variant.
Genome position (GRCh38, 1-based): chr2:165,367,264, A>C. VCF-style: chr2-165367264-A-C. GRCh37 (hg19) VCF-style: chr2-166223774-A-C.
Other names: c.3568A>C, p.Lys1190Gln (NM_001040143.2, NM_001371246.1, NM_001371247.1 and 1 more transcripts); short protein forms K1190Q.
Identifiers: ClinVar variation 1057206 (VCV001057206.9), dbSNP rs1553590166, ClinGen allele CA349025909.
Genomic context (GRCh38, chr2:165,367,264, plus strand): 5'-CCACATATTTTAGACTGTGTACGGAAGTTCAAGTGTTGTCAGATAAGCATAGAAGAAGGC[A>C]AAGGGAAACTCTGGTGGAATTTGAGGAAAACATGCTATAAGATAGTGGAGCACAATTGGT-3'
Protein context (NP_001035232.1, residues 1180-1200): KCCQISIEEG[Lys1190Gln]GKLWWNLRKT